The following is an entry in ClinVar:

NM_182641.4(BPTF):c.1864+730G>C

Gene: BPTF (bromodomain PHD finger transcription factor; plus strand). Cytogenetic location: 17q24.2.
Variant type: single nucleotide variant.
Coding change: c.1864+730G>C on transcript NM_182641.4 (MANE Select); 730 bases into the intron after coding-DNA position 1864, G replaced by C.
Molecular consequence: intron variant.
Genome position (GRCh38, 1-based): chr17:67,875,750, G>C. VCF-style: chr17-67875750-G-C. GRCh37 (hg19) VCF-style: chr17-65871866-G-C.
Other names: c.2053+6G>C (NM_004459.7).
Identifiers: ClinVar variation 2158545 (VCV002158545.3), dbSNP rs199915594, ClinGen allele CA8725277.

ClinVar aggregate classification (germline): Uncertain significance (1 of 4 stars; one submission).

Allele frequency attached by ClinVar (database versions not stated): gnomAD exomes 0.00004; ExAC 0.00006; ESP Exome Variant Server 0.00008; gnomAD 0.00025; TOPMed 0.00054.
gnomAD v4.1: 111 of 1,562,928 alleles (0.0071%); highest among the groups gnomAD compares: Middle Eastern, 0.14%; 2 homozygotes.

Submission:

Labcorp Genetics (formerly Invitae), Labcorp
Classification: Uncertain significance. Last evaluated: 2025-10-06. Review status: criteria provided, single submitter. Criteria: Invitae Variant Classification Sherloc (09022015). Collection method: clinical testing. Allele origin: germline.
Comment: This sequence change falls in intron 5 of the BPTF gene. It does not directly change the encoded amino acid sequence of the BPTF protein. It affects a nucleotide within the consensus splice site of the intron. It affects a nucleotide within the consensus splice site. This variant is present in population databases (rs199915594, gnomAD 0.01%). This variant has not been reported in the literature in individuals affected with BPTF-related conditions. ClinVar contains an entry for this variant (Variation ID: 2158545). Variants that disrupt the consensus splice site are a relatively common cause of aberrant splicing (PMID: 17576681, 9536098). Algorithms developed to predict the effect of sequence changes on RNA splicing suggest that this variant is not likely to affect RNA splicing. In summary, the available evidence is currently insufficient to determine the role of this variant in disease. Therefore, it has been classified as a Variant of Uncertain Significance.

Literature cited by the submitters: PubMed 17576681; PubMed 9536098.